The following is an entry in ClinVar:

NM_015046.7(SETX):c.7229T>C (p.Val2410Ala)

Genes: SETX (senataxin; minus strand), LOC126860782 (P300/CBP strongly-dependent group 1 enhancer GRCh37_chr9:135144739-135145938; plus strand). Cytogenetic location: 9q34.13.
Variant type: single nucleotide variant.
Coding change: c.7229T>C on transcript NM_015046.7 (MANE Select); coding-DNA position 7229, T replaced by C.
Protein change: p.Val2410Ala; replaces valine 2410 with alanine.
Molecular consequence: missense variant.
Genome position (GRCh38, 1-based): chr9:132,269,673, A>G on the plus strand (T>C on the coding strand, the complement: SETX is on the minus strand). VCF-style: chr9-132269673-A-G. GRCh37 (hg19) VCF-style: chr9-135145060-A-G.
Other names: c.7229T>C, p.Val2410Ala (NM_001351527.2, NM_001351528.2); short protein forms V2410A.
Identifiers: ClinVar variation 2951814 (VCV002951814.3), dbSNP rs2538837924, ClinGen allele CA375328058.

ClinVar aggregate classification (germline): Uncertain significance (1 of 4 stars; one submission).

Conditions:
Amyotrophic lateral sclerosis type 4 (ALS4). Also called: AMYOTROPHIC LATERAL SCLEROSIS 4, JUVENILE; NEURONOPATHY, DISTAL HEREDITARY MOTOR, WITH PYRAMIDAL FEATURES. Identifiers: Orphanet 357043, MedGen C1865409, MONDO:0011223, OMIM 602433.
Spinocerebellar ataxia, autosomal recessive, with axonal neuropathy 2 (SCAN2). Also called: ATAXIA-OCULOMOTOR APRAXIA 2; Ataxia-ocular apraxia-2; Ataxia with Oculomotor Apraxia Type 2; Ataxia with Oculomotor Apraxia. Identifiers: Orphanet 64753, MedGen C1853761, MONDO:0018996, OMIM 606002.

Submission:

Labcorp Genetics (formerly Invitae), Labcorp
Classification: Uncertain significance for Amyotrophic lateral sclerosis type 4; Spinocerebellar ataxia, autosomal recessive, with axonal neuropathy 2. Last evaluated: 2023-09-12. Review status: criteria provided, single submitter. Criteria: Invitae Variant Classification Sherloc (09022015). Collection method: clinical testing. Allele origin: germline.
Comment: In summary, the available evidence is currently insufficient to determine the role of this variant in disease. Therefore, it has been classified as a Variant of Uncertain Significance. Advanced modeling of protein sequence and biophysical properties (such as structural, functional, and spatial information, amino acid conservation, physicochemical variation, residue mobility, and thermodynamic stability) performed at Invitae indicates that this missense variant is expected to disrupt SETX protein function. This variant has not been reported in the literature in individuals affected with SETX-related conditions. This variant is not present in population databases (gnomAD no frequency). This sequence change replaces valine, which is neutral and non-polar, with alanine, which is neutral and non-polar, at codon 2410 of the SETX protein (p.Val2410Ala).